The following is an entry in ClinVar:

ClinVar aggregate classification (germline): Uncertain significance (1 of 4 stars; one submission).

Conditions:
Ehlers-Danlos syndrome, classic type, 1 (EDSCL1). Also called: EHLERS-DANLOS SYNDROME, GRAVIS TYPE; EHLERS-DANLOS SYNDROME, SEVERE CLASSIC TYPE; Ehlers-Danlos syndrome, type 1; Ehlers-Danlos Syndrome, Classic Type, COL5A1-Related; EDS I. Identifiers: MedGen C0268335, MONDO:0019567, OMIM 130000.

Submission:

Labcorp Genetics (formerly Invitae), Labcorp
Classification: Uncertain significance for Ehlers-Danlos syndrome, classic type, 1. Last evaluated: 2023-12-30. Review status: criteria provided, single submitter. Criteria: Invitae Variant Classification Sherloc (09022015). Collection method: clinical testing. Allele origin: germline.
Comment: This sequence change replaces glutamine, which is neutral and polar, with histidine, which is basic and polar, at codon 355 of the COL5A2 protein (p.Gln355His). This variant is not present in population databases (gnomAD no frequency). This variant has not been reported in the literature in individuals affected with COL5A2-related conditions. Advanced modeling of protein sequence and biophysical properties (such as structural, functional, and spatial information, amino acid conservation, physicochemical variation, residue mobility, and thermodynamic stability) performed at Invitae indicates that this missense variant is not expected to disrupt COL5A2 protein function with a negative predictive value of 80%. In summary, the available evidence is currently insufficient to determine the role of this variant in disease. Therefore, it has been classified as a Variant of Uncertain Significance.

NM_000393.5(COL5A2):c.1065A>C (p.Gln355His)

Gene: COL5A2 (collagen type V alpha 2 chain; minus strand). Cytogenetic location: 2q32.2.
Variant type: single nucleotide variant.
Coding change: c.1065A>C on transcript NM_000393.5 (MANE Select); coding-DNA position 1065, A replaced by C.
Protein change: p.Gln355His; replaces glutamine 355 with histidine.
Molecular consequence: missense variant.
Genome position (GRCh38, 1-based): chr2:189,075,432, T>G on the plus strand (A>C on the coding strand, the complement: COL5A2 is on the minus strand). VCF-style: chr2-189075432-T-G. GRCh37 (hg19) VCF-style: chr2-189940158-T-G.
Other names: short protein forms Q355H.
Identifiers: ClinVar variation 2789459 (VCV002789459.3), dbSNP rs2469330737, ClinGen allele CA349855390.